The following is an entry in ClinVar:

ClinVar aggregate classification (germline): Uncertain significance (1 of 4 stars; one submission).

Conditions:
Hereditary cancer-predisposing syndrome. Also called: Tumor predisposition; Hereditary Cancer Syndrome; Hereditary neoplastic syndrome; Neoplastic Syndromes, Hereditary. Identifiers: Orphanet 140162, MedGen C0027672, MeSH D009386, MONDO:0015356.

Submission:

Labcorp Genetics (formerly Invitae), Labcorp
Classification: Uncertain significance for Hereditary cancer-predisposing syndrome. Last evaluated: 2021-04-27. Review status: criteria provided, single submitter. Criteria: Invitae Variant Classification Sherloc (09022015). Collection method: clinical testing. Allele origin: germline.
Comment: In summary, the available evidence is currently insufficient to determine the role of this variant in disease. Therefore, it has been classified as a Variant of Uncertain Significance. Algorithms developed to predict the effect of missense changes on protein structure and function are either unavailable or do not agree on the potential impact of this missense change (SIFT: "Deleterious"; PolyPhen-2: "Probably Damaging"; Align-GVGD: "Class C0"). This variant has not been reported in the literature in individuals with RAD50-related conditions. This variant is not present in population databases (ExAC no frequency). This sequence change replaces isoleucine with phenylalanine at codon 1242 of the RAD50 protein (p.Ile1242Phe). The isoleucine residue is moderately conserved and there is a small physicochemical difference between isoleucine and phenylalanine.

NM_005732.4(RAD50):c.3724A>T (p.Ile1242Phe)

Genes: TH2LCRR (T helper type 2 locus control region associated RNA; minus strand), TH2-LCR (Th2 cytokine locus control region; plus strand), RAD50 (RAD50 double strand break repair protein; plus strand). Cytogenetic location: 5q31.1.
Variant type: single nucleotide variant.
Coding change: c.3724A>T on transcript NM_005732.4 (MANE Select); coding-DNA position 3724, A replaced by T.
Protein change: p.Ile1242Phe; replaces isoleucine 1242 with phenylalanine.
Molecular consequence: missense variant.
Genome position (GRCh38, 1-based): chr5:132,640,777, A>T. VCF-style: chr5-132640777-A-T. GRCh37 (hg19) VCF-style: chr5-131976469-A-T.
Other names: short protein forms I1242F.
Identifiers: ClinVar variation 1441399 (VCV001441399.8), dbSNP rs1581023817, ClinGen allele CA360934800.